The following is an entry in ClinVar:

ClinVar aggregate classification (germline): Uncertain significance. Review status: criteria provided, multiple submitters, no conflicts (2 of 4 stars). 3 submissions from 3 submitters: Uncertain significance (3). Last evaluated 2025-11-12.

Conditions:
Inborn genetic diseases. Identifiers: MedGen C0950123, MeSH D030342.
Cenani-Lenz syndactyly syndrome. Also called: CENANI SYNDACTYLISM; SYNDACTYLY, TYPE VII. Identifiers: Orphanet 3258, MedGen C1859309, MONDO:0008931, OMIM 212780.
Sclerosteosis 2 (SOST2). Identifiers: Orphanet 3152, MedGen C3280402, MONDO:0013679, OMIM 614305.
Congenital myasthenic syndrome 17. Identifiers: Orphanet 590, MedGen C4225377, MONDO:0014578, OMIM 616304.

Allele frequency attached by ClinVar (database versions not stated): ExAC 0.00007; 1000 Genomes Project 30x 0.00031; ESP Exome Variant Server 0.00038; gnomAD exomes 0.00003; TOPMed 0.00009; gnomAD 0.00011; 1000 Genomes Project 0.00020.

Submissions (3):

Ambry Genetics
Classification: Uncertain significance for Inborn genetic diseases. Last evaluated: 2025-11-12. Review status: criteria provided, single submitter. Criteria: Ambry Variant Classification Scheme 2023. Collection method: clinical testing. Allele origin: germline.

Labcorp Genetics (formerly Invitae), Labcorp
Classification: Uncertain significance for Cenani-Lenz syndactyly syndrome; Sclerosteosis 2; Congenital myasthenic syndrome 17. Last evaluated: 2024-10-17. Review status: criteria provided, single submitter. Criteria: Invitae Variant Classification Sherloc (09022015). Collection method: clinical testing. Allele origin: germline.
Comment: This sequence change replaces arginine, which is basic and polar, with histidine, which is basic and polar, at codon 263 of the LRP4 protein (p.Arg263His). This variant is present in population databases (rs149906323, gnomAD 0.05%). This variant has not been reported in the literature in individuals affected with LRP4-related conditions. ClinVar contains an entry for this variant (Variation ID: 579316). An algorithm developed to predict the effect of missense changes on protein structure and function (PolyPhen-2) suggests that this variant¬¨‚Ä†is likely to be tolerated. In summary, the available evidence is currently insufficient to determine the role of this variant in disease. Therefore, it has been classified as a Variant of Uncertain Significance.

Fulgent Genetics
Classification: Uncertain significance for Cenani-Lenz syndactyly syndrome; Sclerosteosis 2; Congenital myasthenic syndrome 17. Last evaluated: 2021-10-13. Review status: criteria provided, single submitter. Criteria: ACMG Guidelines, 2015. Collection method: clinical testing. Allele origin: unknown.

NM_002334.4(LRP4):c.788G>A (p.Arg263His)

Gene: LRP4 (LDL receptor related protein 4; minus strand). Cytogenetic location: 11p11.2.
Variant type: single nucleotide variant.
Coding change: c.788G>A on transcript NM_002334.4 (MANE Select); coding-DNA position 788, G replaced by A.
Protein change: p.Arg263His; replaces arginine 263 with histidine.
Molecular consequence: missense variant.
Genome position (GRCh38, 1-based): chr11:46,898,566, C>T on the plus strand (G>A on the coding strand, the complement: LRP4 is on the minus strand). VCF-style: chr11-46898566-C-T. GRCh37 (hg19) VCF-style: chr11-46920117-C-T.
Other names: short protein forms R263H.
Identifiers: ClinVar variation 579316 (VCV000579316.10), dbSNP rs149906323, ClinGen allele CA5970383.
Genomic context (GRCh38, chr11:46,898,566, plus strand): 5'-CACAAGCCTTCTCCTTAGTTCAAGCCCAACCTAATTCCATTTCCCCACTCACTGCAGTTG[C>T]GCTCATCAGACTGGTCATCACAGTCCGCGTCACCATCGCAGCGCCAGCCTGCATTGATGC-3'
Protein context (NP_002325.2, residues 253-273): DADCDDQSDE[Arg263His]NCTTSMCTAE